The following is an entry in ClinVar:

NM_001849.4(COL6A2):c.2459C>G (p.Thr820Arg)

Gene: COL6A2 (collagen type VI alpha 2 chain; plus strand). Cytogenetic location: 21q22.3.
Variant type: single nucleotide variant.
Coding change: c.2459C>G on transcript NM_001849.4 (MANE Select); coding-DNA position 2459, C replaced by G.
Protein change: p.Thr820Arg; replaces threonine 820 with arginine.
Molecular consequence: missense variant.
Genome position (GRCh38, 1-based): chr21:46,126,539, C>G. VCF-style: chr21-46126539-C-G. GRCh37 (hg19) VCF-style: chr21-47546453-C-G.
Other names: c.2459C>G, p.Thr820Arg (NM_058174.3, NM_058175.3); short protein forms T820R.
Identifiers: ClinVar variation 2339032 (VCV002339032.7), dbSNP rs1230662669, ClinGen allele CA410543615.

ClinVar aggregate classification (germline): Uncertain significance. Review status: criteria provided, multiple submitters, no conflicts (2 of 4 stars). 3 submissions from 3 submitters: Uncertain significance (3). Last evaluated 2023-09-21.

Conditions:
Inborn genetic diseases. Identifiers: MedGen C0950123, MeSH D030342.
Bethlem myopathy 1A. Also called: Bethlem Muscular Dystrophy; MYOPATHY, BENIGN CONGENITAL, WITH CONTRACTURES; Bethlem myopathy 1. Identifiers: Orphanet 610, MedGen CN029274, MONDO:0024530, OMIM 158810.

Allele frequency attached by ClinVar (database versions not stated): TOPMed below 0.00001; gnomAD 0.00001.
gnomAD v4.1: 1 of 1,613,398 alleles (0.000062%); highest among the groups gnomAD compares: African/African-American, 0.0013%; no homozygotes.

Submissions (3):

Labcorp Genetics (formerly Invitae), Labcorp
Classification: Uncertain significance for Bethlem myopathy 1A. Last evaluated: 2023-09-21. Review status: criteria provided, single submitter. Criteria: Invitae Variant Classification Sherloc (09022015). Collection method: clinical testing. Allele origin: germline.
Comment: An algorithm developed to predict the effect of missense changes on protein structure and function (PolyPhen-2) suggests that this variant is likely to be tolerated. In summary, the available evidence is currently insufficient to determine the role of this variant in disease. Therefore, it has been classified as a Variant of Uncertain Significance. ClinVar contains an entry for this variant (Variation ID: 2339032). This variant has not been reported in the literature in individuals affected with COL6A2-related conditions. This variant is not present in population databases (gnomAD no frequency). This sequence change replaces threonine, which is neutral and polar, with arginine, which is basic and polar, at codon 820 of the COL6A2 protein (p.Thr820Arg).

Revvity Omics, Revvity
Classification: Uncertain significance. Last evaluated: 2023-03-30. Review status: criteria provided, single submitter. Criteria: ACMG Guidelines, 2015. Collection method: clinical testing. Allele origin: germline.

Ambry Genetics
Classification: Uncertain significance for Inborn genetic diseases. Last evaluated: 2022-12-21. Review status: criteria provided, single submitter. Criteria: Ambry Variant Classification Scheme 2023. Collection method: clinical testing. Allele origin: germline.